The following is an entry in ClinVar:

ClinVar aggregate classification (germline): Uncertain significance. Review status: criteria provided, multiple submitters, no conflicts (2 of 4 stars). 7 submissions from 7 submitters: Uncertain significance (7). Last evaluated 2026-01-25.

Conditions:
SMARCA4-related disorder. Also called: SMARCA4-related condition.
Hereditary cancer-predisposing syndrome. Also called: Tumor predisposition; Hereditary neoplastic syndrome; Neoplastic Syndromes, Hereditary; Hereditary Cancer Syndrome. Identifiers: Orphanet 140162, MedGen C0027672, MeSH D009386, MONDO:0015356.
Intellectual disability, autosomal dominant 16 (CSS4). Also called: COFFIN-SIRIS SYNDROME 4. Identifiers: Orphanet 1465, MedGen C3553249, MONDO:0013821, OMIM 614609.
Rhabdoid tumor predisposition syndrome 2 (RTPS2). Identifiers: Orphanet 231108, Orphanet 69077, MedGen C2750074, MONDO:0013224, OMIM 613325.

Allele frequency attached by ClinVar (database versions not stated): gnomAD exomes below 0.00001 and 0.00001; gnomAD 0.00001; TOPMed 0.00003.

Submissions (7):

Labcorp Genetics (formerly Invitae), Labcorp
Classification: Uncertain significance for Rhabdoid tumor predisposition syndrome 2. Last evaluated: 2026-01-25. Review status: criteria provided, single submitter. Criteria: Invitae Variant Classification Sherloc (09022015). Collection method: clinical testing. Allele origin: germline.
Comment: This sequence change replaces lysine, which is basic and polar, with arginine, which is basic and polar, at codon 1029 of the SMARCA4 protein (p.Lys1029Arg). This variant is present in population databases (no rsID available, gnomAD 0.003%). This variant has not been reported in the literature in individuals affected with SMARCA4-related conditions. ClinVar contains an entry for this variant (Variation ID: 470335). Invitae Evidence Modeling of protein sequence and biophysical properties (such as structural, functional, and spatial information, amino acid conservation, physicochemical variation, residue mobility, and thermodynamic stability) indicates that this missense variant is not expected to disrupt SMARCA4 protein function with a negative predictive value of 95%. RNA analysis performed to evaluate the impact of this missense change on mRNA splicing indicates it does not significantly alter splicing (internal data). In summary, the available evidence is currently insufficient to determine the role of this variant in disease. Therefore, it has been classified as a Variant of Uncertain Significance.

PreventionGenetics, part of Exact Sciences
Classification: Uncertain significance for SMARCA4-related condition. Last evaluated: 2025-09-10. Review status: criteria provided, single submitter. Criteria: ACMG Guidelines, 2015. Collection method: clinical testing. Allele origin: germline.
Comment: The SMARCA4 c.3086A>G variant is predicted to result in the amino acid substitution p.Lys1029Arg. To our knowledge, this variant has not been reported in the literature. This variant is reported in 0.0029% of alleles in individuals of Latino descent in gnomAD. At this time, the clinical significance of this variant is uncertain due to the absence of conclusive functional and genetic evidence.

Ambry Genetics
Classification: Uncertain significance for Hereditary cancer-predisposing syndrome. Last evaluated: 2025-05-29. Review status: criteria provided, single submitter. Criteria: Ambry Variant Classification Scheme 2023. Collection method: clinical testing. Allele origin: germline.
Comment: The p.K1029R variant (also known as c.3086A>G), located in coding exon 21 of the SMARCA4 gene, results from an A to G substitution at nucleotide position 3086. The lysine at codon 1029 is replaced by arginine, an amino acid with highly similar properties. This amino acid position is highly conserved in available vertebrate species. In addition, the in silico prediction for this alteration is inconclusive. Based on the available evidence, the clinical significance of this variant remains unclear.

Baylor Genetics
Classification: Uncertain significance for Rhabdoid tumor predisposition syndrome 2. Last evaluated: 2024-03-13. Review status: criteria provided, single submitter. Criteria: ACMG Guidelines, 2015. Collection method: clinical testing. Allele origin: unknown.

GeneDx
Classification: Uncertain significance. Last evaluated: 2024-02-18. Review status: criteria provided, single submitter. Criteria: GeneDx Variant Classification Process June 2021. Collection method: clinical testing. Allele origin: germline. Affected: yes.
Comment: In silico analysis supports that this missense variant does not alter protein structure/function; In silico analysis suggests this variant may impact gene splicing. In the absence of RNA/functional studies, the actual effect of this sequence change is unknown; Published functional studies suggest this variant results in decreased acetylation levels (PMID: 31291457); This variant is associated with the following publications: (PMID: 24658002, 31291457)

Quest Diagnostics Nichols Institute San Juan Capistrano
Classification: Uncertain significance. Last evaluated: 2023-05-07. Review status: criteria provided, single submitter. Criteria: Quest Diagnostics criteria. Collection method: clinical testing. Allele origin: unknown.
Comment: This variant has not been reported in the published literature. The frequency of this variant in the general population, 0.000012 (3/251016 chromosomes), is uninformative in assessment of its pathogenicity. Analysis of this variant using bioinformatics tools for the prediction of the effect of amino acid changes on protein structure and function yielded predictions that this variant is benign. Based on the available information, we are unable to determine the clinical significance of this variant.

Genome-Nilou Lab
Classification: Uncertain significance for Intellectual disability, autosomal dominant 16. Last evaluated: 2021-07-15. Review status: criteria provided, single submitter. Criteria: ACMG Guidelines, 2015. Collection method: clinical testing. Allele origin: germline. Affected: no.

NM_003072.5(SMARCA4):c.3086A>G (p.Lys1029Arg)

Gene: SMARCA4 (SWI/SNF related BAF chromatin remodeling complex subunit ATPase 4; plus strand). Cytogenetic location: 19p13.2.
Variant type: single nucleotide variant.
Coding change: c.3086A>G on transcript NM_003072.5 (MANE Select); coding-DNA position 3086, A replaced by G.
Protein change: p.Lys1029Arg; replaces lysine 1029 with arginine.
Molecular consequence: missense variant. On other transcripts: non-coding transcript variant (1).
Genome position (GRCh38, 1-based): chr19:11,025,426, A>G. VCF-style: chr19-11025426-A-G. GRCh37 (hg19) VCF-style: chr19-11136102-A-G.
Other names: c.3086A>G, p.Lys1029Arg (NM_001128844.3, NM_001128845.2, NM_001128846.2 and 5 more transcripts); short protein forms K1029R.
Identifiers: ClinVar variation 470335 (VCV000470335.23), dbSNP rs1288014090, ClinGen allele CA404059137.
Genomic context (GRCh38, chr19:11,025,426, plus strand): 5'-CCACCCCACCCCAGGAGGGCAAGACCCCATTTGGGTCCCTCTCATCTGCCTTCCAGGGCA[A>G]AGGCGGCACCAAGACCCTGATGAACACCATCATGCAGCTGCGGAAGATCTGCAACCACCC-3'
Protein context (NP_003063.2, residues 1019-1039): TDGSEKDKKG[Lys1029Arg]GGTKTLMNTI